The following is an entry in ClinVar:

NM_020184.4(CNNM4):c.1274A>C (p.Lys425Thr)

Gene: CNNM4 (cyclin and CBS domain divalent metal cation transport mediator 4; plus strand). Cytogenetic location: 2q11.2.
Variant type: single nucleotide variant.
Coding change: c.1274A>C on transcript NM_020184.4 (MANE Select); coding-DNA position 1274, A replaced by C.
Protein change: p.Lys425Thr; replaces lysine 425 with threonine.
Molecular consequence: missense variant.
Genome position (GRCh38, 1-based): chr2:96,762,273, A>C. VCF-style: chr2-96762273-A-C. GRCh37 (hg19) VCF-style: chr2-97428010-A-C.
Other names: short protein forms K425T.
Identifiers: ClinVar variation 895047 (VCV000895047.15), dbSNP rs778131831, ClinGen allele CA1783314.

ClinVar aggregate classification (germline): Uncertain significance. Review status: criteria provided, multiple submitters, no conflicts (2 of 4 stars). 3 submissions from 3 submitters: Uncertain significance (3). Last evaluated 2023-07-05.

Conditions:
Inborn genetic diseases. Identifiers: MedGen C0950123, MeSH D030342.
Jalili syndrome. Also called: CONE-ROD DYSTROPHY AND AMELOGENESIS IMPERFECTA. Identifiers: Orphanet 1873, MedGen C3495589, MONDO:0009007, OMIM 217080.

Allele frequency attached by ClinVar (database versions not stated): gnomAD exomes 0.00002 and 0.00003; ExAC 0.00003; TOPMed 0.00003; gnomAD 0.00005.
gnomAD v4.1: 35 of 1,614,024 alleles (0.0022%); highest among the groups gnomAD compares: Non-Finnish European, 0.00034%; no homozygotes.

Submissions (3):

Ambry Genetics
Classification: Uncertain significance for Inborn genetic diseases. Last evaluated: 2023-07-05. Review status: criteria provided, single submitter. Criteria: Ambry Variant Classification Scheme 2023. Collection method: clinical testing. Allele origin: germline.

Labcorp Genetics (formerly Invitae), Labcorp
Classification: Uncertain significance. Last evaluated: 2022-06-04. Review status: criteria provided, single submitter. Criteria: Invitae Variant Classification Sherloc (09022015). Collection method: clinical testing. Allele origin: germline.
Comment: In summary, the available evidence is currently insufficient to determine the role of this variant in disease. Therefore, it has been classified as a Variant of Uncertain Significance. This sequence change replaces lysine, which is basic and polar, with threonine, which is neutral and polar, at codon 425 of the CNNM4 protein (p.Lys425Thr). This variant is present in population databases (rs778131831, gnomAD 0.07%). This variant has not been reported in the literature in individuals affected with CNNM4-related conditions. ClinVar contains an entry for this variant (Variation ID: 895047). Algorithms developed to predict the effect of missense changes on protein structure and function (SIFT, PolyPhen-2, Align-GVGD) all suggest that this variant is likely to be disruptive.

Illumina Laboratory Services, Illumina
Classification: Uncertain significance for Jalili syndrome. Last evaluated: 2018-01-13. Review status: criteria provided, single submitter. Criteria: ICSL Variant Classification Criteria 13 December 2019. Collection method: clinical testing. Allele origin: germline.